The following is an entry in ClinVar:

NM_016139.4(CHCHD2):c.32G>A (p.Arg11His)

Genes: CHCHD2 (coiled-coil-helix-coiled-coil-helix domain containing 2; minus strand), LOC129998502 (ATAC-STARR-seq lymphoblastoid active region 26053; plus strand). Cytogenetic location: 7p11.2.
Variant type: single nucleotide variant.
Coding change: c.32G>A on transcript NM_016139.4 (MANE Select); coding-DNA position 32, G replaced by A.
Protein change: p.Arg11His; replaces arginine 11 with histidine.
Molecular consequence: missense variant.
Genome position (GRCh38, 1-based): chr7:56,106,382, C>T on the plus strand (G>A on the coding strand, the complement: CHCHD2 is on the minus strand). VCF-style: chr7-56106382-C-T. GRCh37 (hg19) VCF-style: chr7-56174075-C-T.
Other names: c.32G>A, p.Arg11His (NM_001320327.2); short protein forms R11H.
Identifiers: ClinVar variation 2657516 (VCV002657516.24), dbSNP rs373956381, ClinGen allele CA367613135.

ClinVar aggregate classification (germline): Uncertain significance (1 of 4 stars; one submission).

gnomAD v4.1: 1 of 1,613,388 alleles (0.000062%); highest among the groups gnomAD compares: Non-Finnish European, 0.000085%; no homozygotes.

Submission:

CeGaT Center for Human Genetics Tuebingen
Classification: Uncertain significance. Last evaluated: 2022-04-01. Review status: criteria provided, single submitter. Criteria: CeGaT Center For Human Genetics Tuebingen Variant Classification Criteria Version 2. Collection method: clinical testing. Allele origin: germline. Affected: yes. Observed: 1 variant allele.
Comment: CHCHD2: PM2